The following is an entry in ClinVar:

NM_001206979.2(NR1H4):c.573A>C (p.Gly191=)

Gene: NR1H4 (nuclear receptor subfamily 1 group H member 4; plus strand). Cytogenetic location: 12q23.1.
Variant type: single nucleotide variant.
Coding change: c.573A>C on transcript NM_001206979.2 (MANE Select); coding-DNA position 573, A replaced by C.
Protein change: p.Gly191=; no amino-acid change (glycine 191 retained).
Molecular consequence: synonymous variant. On other transcripts: non-coding transcript variant (1), intron variant (1).
Genome position (GRCh38, 1-based): chr12:100,532,585, A>C. VCF-style: chr12-100532585-A-C. GRCh37 (hg19) VCF-style: chr12-100926363-A-C.
Other names: c.573A>C, p.Gly191= (NM_001206977.2, NM_005123.4); c.603A>C, p.Gly201= (NM_001206992.2, NM_001206993.2); c.446-2305A>C (NM_001206978.2); c.573A>C (NM_005123.3).
Identifiers: ClinVar variation 1929001 (VCV001929001.6), dbSNP rs753099331, ClinGen allele CA6739270.

ClinVar aggregate classification (germline): Likely benign. Review status: criteria provided, multiple submitters, no conflicts (2 of 4 stars). 2 submissions from 2 submitters: Likely benign (2). Last evaluated 2025-12-03.

Conditions:
NR1H4-related disorder. Also called: NR1H4-related condition.

Allele frequency attached by ClinVar (database versions not stated): TOPMed 0.00002; gnomAD exomes 0.00004; ExAC 0.00006.

Submissions (2):

PreventionGenetics, part of Exact Sciences
Classification: Likely benign for NR1H4-related condition. Last evaluated: 2025-12-03. Review status: criteria provided, single submitter. Criteria: ACMG Guidelines, 2015. Collection method: clinical testing. Allele origin: germline.
Comment: This variant is classified as likely benign based on ACMG/AMP sequence variant interpretation guidelines (Richards et al. 2015 PMID: 25741868, with internal and published modifications).

Labcorp Genetics (formerly Invitae), Labcorp
Classification: Likely benign. Last evaluated: 2023-09-14. Review status: criteria provided, single submitter. Criteria: Invitae Variant Classification Sherloc (09022015). Collection method: clinical testing. Allele origin: germline.